The following is an entry in ClinVar:

NM_133510.4(RAD51B):c.316-1G>C

Gene: RAD51B (RAD51 paralog B; plus strand). Cytogenetic location: 14q24.1.
Variant type: single nucleotide variant.
Coding change: c.316-1G>C on transcript NM_133510.4 (MANE Select); the canonical splice acceptor site of the intron before coding-DNA position 316, G replaced by C.
Molecular consequence: splice acceptor variant.
Genome position (GRCh38, 1-based): chr14:67,865,002, G>C. VCF-style: chr14-67865002-G-C. GRCh37 (hg19) VCF-style: chr14-68331719-G-C.
Other names: c.316-1G>C (NM_001321818.2, NM_001321809.2, NM_001321821.2 and 6 more transcripts); c.-42-1G>C (NM_001321817.2); c.202-1G>C (NM_001321815.1).
Identifiers: ClinVar variation 3942270 (VCV003942270.1).

ClinVar aggregate classification (germline): Uncertain significance (1 of 4 stars; one submission).

gnomAD v4.1: 11 of 307,618 alleles (0.0036%); highest among the groups gnomAD compares: South Asian, 0.036%; no homozygotes.

Submission:

Ambry Genetics
Classification: Uncertain significance. Last evaluated: 2025-04-23. Review status: criteria provided, single submitter. Criteria: Ambry Variant Classification Scheme 2023. Collection method: clinical testing. Allele origin: germline.
Comment: The c.316-1G>C intronic variant results from a G to C substitution one nucleotide upstream from coding exon 4 of the RAD51B gene. This nucleotide position is highly conserved in available vertebrate species. In silico splice site analysis predicts that this alteration will weaken the native splice acceptor site and will result in the creation or strengthening of a novel splice acceptor site. Alterations that disrupt the canonical splice site are expected to cause aberrant splicing, resulting in an abnormal protein or a transcript that is subject to nonsense-mediated mRNA decay. The evidence for this gene-disease relationship is limited; therefore, the clinical significance of this alteration is unclear.